The following is an entry in ClinVar:

ClinVar aggregate classification (germline): Benign/Likely benign. Review status: criteria provided, multiple submitters, no conflicts (2 of 4 stars). 3 submissions from 3 submitters: Benign (1); Likely benign (2). Last evaluated 2026-01-04.

Conditions:
Mitochondrial trifunctional protein deficiency. Identifiers: Orphanet 746, MedGen C1969443, MONDO:0012172.

Allele frequency attached by ClinVar (database versions not stated): ESP Exome Variant Server 0.00131; 1000 Genomes Project 0.00140; TOPMed 0.00145; 1000 Genomes Project 30x 0.00187.
gnomAD v4.1: 405 of 1,613,826 alleles (0.025%); highest among the groups gnomAD compares: African/African-American, 0.45%; no homozygotes.

Submissions (3):

Labcorp Genetics (formerly Invitae), Labcorp
Classification: Benign for Mitochondrial trifunctional protein deficiency. Last evaluated: 2026-01-04. Review status: criteria provided, single submitter. Criteria: Invitae Variant Classification Sherloc (09022015). Collection method: clinical testing. Allele origin: germline.

GeneDx
Classification: Likely benign. Last evaluated: 2019-11-18. Review status: criteria provided, single submitter. Criteria: GeneDx Variant Classification Process June 2021. Collection method: clinical testing. Allele origin: germline. Affected: yes.

Illumina Laboratory Services, Illumina
Classification: Likely benign for Mitochondrial trifunctional protein deficiency 1. Last evaluated: 2018-01-12. Review status: criteria provided, single submitter. Criteria: ICSL Variant Classification Criteria 13 December 2019. Collection method: clinical testing. Allele origin: germline.
Comment: This variant was observed in the ICSL laboratory as part of a predisposition screen in an ostensibly healthy population. It had not been previously curated by ICSL or reported in the Human Gene Mutation Database (HGMD: prior to June 1st, 2018), and was therefore a candidate for classification through an automated scoring system. Utilizing variant allele frequency, disease prevalence and penetrance estimates, and inheritance mode, an automated score was calculated to assess if this variant is too frequent to cause the disease. Based on the score and internal cut-off values, a variant classified as likely benign is not then subjected to further curation. The score for this variant resulted in a classification of likely benign for this disease.

NM_000183.3(HADHB):c.1371G>A (p.Ala457=)

Gene: HADHB (hydroxyacyl-CoA dehydrogenase trifunctional multienzyme complex subunit beta; plus strand). Cytogenetic location: 2p23.3.
Variant type: single nucleotide variant.
Coding change: c.1371G>A on transcript NM_000183.3 (MANE Select); coding-DNA position 1371, G replaced by A.
Protein change: p.Ala457=; no amino-acid change (alanine 457 retained).
Molecular consequence: synonymous variant.
Genome position (GRCh38, 1-based): chr2:26,285,553, G>A. VCF-style: chr2-26285553-G-A. GRCh37 (hg19) VCF-style: chr2-26508421-G-A.
Other names: c.1326G>A, p.Ala442= (NM_001281512.2); c.1305G>A, p.Ala435= (NM_001281513.2).
Identifiers: ClinVar variation 335408 (VCV000335408.17), dbSNP rs72851542, ClinGen allele CA1560522.